The following is an entry in ClinVar:

NM_001148.6(ANK2):c.10854G>C (p.Lys3618Asn)

Gene: ANK2 (ankyrin 2; plus strand). Cytogenetic location: 4q26.
Variant type: single nucleotide variant.
Coding change: c.10854G>C on transcript NM_001148.6 (MANE Select); coding-DNA position 10854, G replaced by C.
Protein change: p.Lys3618Asn; replaces lysine 3618 with asparagine.
Molecular consequence: missense variant.
Genome position (GRCh38, 1-based): chr4:113,363,435, G>C. VCF-style: chr4-113363435-G-C. GRCh37 (hg19) VCF-style: chr4-114284591-G-C.
Other names: c.4572G>C, p.Lys1524Asn (NM_001127493.3); c.4611G>C, p.Lys1537Asn (NM_001354225.2); c.4500G>C, p.Lys1500Asn (NM_001354228.2, NM_001354258.2); c.4578G>C, p.Lys1526Asn (NM_001354230.2); c.4641G>C, p.Lys1547Asn (NM_001354231.2, NM_001354242.2); c.4635G>C, p.Lys1545Asn (NM_001354232.2); c.4596G>C, p.Lys1532Asn (NM_001354235.2, NM_001354246.2, NM_001354265.2); c.4497G>C, p.Lys1499Asn (NM_001354236.2); and 35 more; short protein forms K1488N, K1512N, K3540N, K716N, K1405N, K1460N, K1499N, K1511N.
Identifiers: ClinVar variation 2565316 (VCV002565316.2), dbSNP rs2096348187, ClinGen allele CA357941382.
Genomic context (GRCh38, chr4:113,363,435, plus strand): 5'-TCATCAAATTCGAATTGAAAATCCCAACTCTCTTCAAGACCAGAGTCATGCACTGTTGAA[G>C]TACTGGCTAGAGAGGGATGGGAAACATGCTACAGGTAAGTGGGGAACTATATGCATATTG-3'
Protein context (NP_001139.3, residues 3608-3628): SLQDQSHALL[Lys3618Asn]YWLERDGKHA

ClinVar aggregate classification (germline): Uncertain significance (1 of 4 stars; one submission).

Conditions:
Cardiovascular phenotype. Identifiers: MedGen CN230736.

Allele frequency attached by ClinVar (database versions not stated): TOPMed 0.00001.
gnomAD v4.1: 1 of 1,613,566 alleles (0.000062%); highest among the groups gnomAD compares: African/African-American, 0.0013%; no homozygotes.

Submission:

Ambry Genetics
Classification: Uncertain significance for Cardiovascular phenotype. Last evaluated: 2023-05-18. Review status: criteria provided, single submitter. Criteria: Ambry Variant Classification Scheme 2023. Collection method: clinical testing. Allele origin: germline.
Comment: The p.K3618N variant (also known as c.10854G>C), located in coding exon 40 of the ANK2 gene, results from a G to C substitution at nucleotide position 10854. The lysine at codon 3618 is replaced by asparagine, an amino acid with similar properties. This amino acid position is conserved. In addition, the in silico prediction for this alteration is inconclusive. Since supporting evidence is limited at this time, the clinical significance of this alteration remains unclear.